The following is an entry in ClinVar:

NM_018136.5(ASPM):c.8195_8198del (p.Arg2732fs)

Gene: ASPM (assembly factor for spindle microtubules; minus strand). Cytogenetic location: 1q31.3.
Variant type: Microsatellite.
Coding change: c.8195_8198del on transcript NM_018136.5 (MANE Select); coding-DNA positions 8195 to 8198, 4 bases deleted (GAAA; older notation c.8195_8198delGAAA).
Protein change: p.Arg2732fs; shifts the reading frame from arginine 2732.
Molecular consequence: frameshift variant. On other transcripts: intron variant (1).
Genome position (GRCh38, 1-based): chr1:197,101,053-197,101,056, TTTC deleted on the plus strand (GAAA on the coding strand, the reverse complement: ASPM is on the minus strand); deleting any 4 consecutive bases within chr1:197,101,053-197,101,061 gives the same sequence; the c. name uses the placement nearest the transcript's 3' end. VCF-style (leftmost placement, unchanged base first): chr1-197101052-TTTTC-T. GRCh37 (hg19) VCF-style: chr1-197070182-TTTTC-T.
Other names: c.4066-4892_4066-4889del (NM_001206846.2); c.8195_8198delGAAA (NM_018136.5); short protein forms R2732fs.
Identifiers: ClinVar variation 977866 (VCV000977866.5), dbSNP rs770579201, ClinGen allele CA1309268.

ClinVar aggregate classification (germline): Pathogenic. Review status: criteria provided, multiple submitters, no conflicts (2 of 4 stars). 3 submissions from 3 submitters: Pathogenic (2). 1 of the submissions does not count toward it. Last evaluated 2023-07-17.

Conditions:
Microcephaly 5, primary, autosomal recessive (MCPH5). Also called: ASPM Primary Microcephaly. Identifiers: Orphanet 2512, MedGen C1837501, MONDO:0012106, OMIM 608716.

Submissions (3):

Victorian Clinical Genetics Services, Murdoch Childrens Research Institute
Classification: Pathogenic for Microcephaly 5, primary, autosomal recessive. Last evaluated: 2023-07-17. Review status: criteria provided, single submitter. Criteria: ACMG Guidelines, 2015. Collection method: clinical testing. Allele origin: germline. Inheritance: Autosomal recessive inheritance. Affected: yes.
Comment: Based on the classification scheme VCGS_Germline_v1.3.4, this variant is classified as Pathogenic. Following criteria are met: 0102 - Loss of function is a known mechanism of disease in this gene and is associated with primary microcephaly 5 (MIM#608716). (I) 0106 - This gene is associated with autosomal recessive disease. (I) 0201 - Variant is predicted to cause nonsense-mediated decay (NMD) and loss of protein (premature termination codon is located at least 54 nucleotides upstream of the final exon-exon junction). (SP) 0251 - This variant is heterozygous. (I) 0304 - Variant is present in gnomAD (v2) <0.01 for a recessive condition (2 heterozygotes, 0 homozygotes). (SP) 0701 - Other null variants comparable to the one identified in this case have very strong previous evidence for pathogenicity. Homozygous and compound heterozygous NMD-predicted variants are well reported in affected individuals in ClinVar and the literature (PMID:29243349). (SP) 0802 - This variant has moderate previous evidence of pathogenicity in unrelated individuals. (I) Legend: (SP) - Supporting pathogenic, (I) - Information, (SB) - Supporting benign

Revvity Omics, Revvity
Classification: Pathogenic for Microcephaly 5, primary, autosomal recessive. Last evaluated: 2022-01-27. Review status: criteria provided, single submitter. Criteria: ACMG Guidelines, 2015. Collection method: clinical testing. Allele origin: germline.

Service de Génétique Moléculaire, Hôpital Robert Debré
Classification: Pathogenic for Microcephaly 5, primary, autosomal recessive. Review status: no assertion criteria provided. Collection method: clinical testing. Allele origin: unknown. Affected: yes. Not counted in ClinVar's aggregate classification.

Literature cited by the submitters: PubMed 19770472 (cited by Victorian Clinical Genetics Services, Murdoch Childrens Research Institute); PubMed 29243349 (cited by Victorian Clinical Genetics Services, Murdoch Childrens Research Institute); PubMed 32677750 (cited by Victorian Clinical Genetics Services, Murdoch Childrens Research Institute).